The following is an entry in ClinVar:

ClinVar aggregate classification (germline): Likely benign. Review status: criteria provided, single submitter (1 of 4 stars). 2 submissions from 2 submitters: Likely benign (1). 1 of the submissions does not count toward it. Last evaluated 2023-05-16.

Conditions:
PCNT-related disorder. Also called: PCNT-related condition.

Allele frequency attached by ClinVar (database versions not stated): gnomAD exomes 0.00001; TOPMed 0.00001; ExAC 0.00002.
gnomAD v4.1: 9 of 1,600,454 alleles (0.00056%); highest among the groups gnomAD compares: South Asian, 0.0045%; no homozygotes.

Submissions (2):

Labcorp Genetics (formerly Invitae), Labcorp
Classification: Likely benign. Last evaluated: 2023-05-16. Review status: criteria provided, single submitter. Criteria: Invitae Variant Classification Sherloc (09022015). Collection method: clinical testing. Allele origin: germline.

PreventionGenetics, part of Exact Sciences
Classification: Likely benign for PCNT-related condition. Last evaluated: 2023-01-27. Review status: no assertion criteria provided. Collection method: clinical testing. Allele origin: germline. Not counted in ClinVar's aggregate classification.
Comment: This variant is classified as likely benign based on ACMG/AMP sequence variant interpretation guidelines (Richards et al. 2015 PMID: 25741868, with internal and published modifications).

NM_006031.6(PCNT):c.777G>A (p.Thr259=)

Gene: PCNT (pericentrin; plus strand). Cytogenetic location: 21q22.3.
Variant type: single nucleotide variant.
Coding change: c.777G>A on transcript NM_006031.6 (MANE Select); coding-DNA position 777, G replaced by A.
Protein change: p.Thr259=; no amino-acid change (threonine 259 retained).
Molecular consequence: synonymous variant.
Genome position (GRCh38, 1-based): chr21:46,346,799, G>A. VCF-style: chr21-46346799-G-A. GRCh37 (hg19) VCF-style: chr21-47766713-G-A.
Other names: c.423G>A, p.Thr141= (NM_001315529.2); c.777G>A (NM_006031.5).
Identifiers: ClinVar variation 2970311 (VCV002970311.4), dbSNP rs771303269, ClinGen allele CA10078412.